The following is an entry in ClinVar:

ClinVar aggregate classification (germline): Uncertain significance. Review status: criteria provided, multiple submitters, no conflicts (2 of 4 stars). 2 submissions from 2 submitters: Uncertain significance (2). Last evaluated 2024-03-02.

Conditions:
Epilepsy, familial focal, with variable foci 3 (FFEVF3). Identifiers: MedGen C4310708, MONDO:0014925, OMIM 617118.

Allele frequency attached by ClinVar (database versions not stated): gnomAD exomes below 0.00001; TOPMed 0.00001.
gnomAD v4.1: 2 of 1,610,170 alleles (0.00012%); highest among the groups gnomAD compares: Non-Finnish European, 0.00017%; no homozygotes.

Submissions (2):

GeneDx
Classification: Uncertain significance. Last evaluated: 2024-03-02. Review status: criteria provided, single submitter. Criteria: GeneDx Variant Classification Process June 2021. Collection method: clinical testing. Allele origin: germline. Affected: yes.
Comment: Not observed at significant frequency in large population cohorts (gnomAD); In silico analysis supports that this missense variant has a deleterious effect on protein structure/function; Has not been previously published as pathogenic or benign to our knowledge

Labcorp Genetics (formerly Invitae), Labcorp
Classification: Uncertain significance for Epilepsy, familial focal, with variable foci 3. Last evaluated: 2024-01-17. Review status: criteria provided, single submitter. Criteria: Invitae Variant Classification Sherloc (09022015). Collection method: clinical testing. Allele origin: germline.
Comment: This sequence change replaces aspartic acid, which is acidic and polar, with asparagine, which is neutral and polar, at codon 454 of the NPRL3 protein (p.Asp454Asn). This variant is not present in population databases (gnomAD no frequency). This variant has not been reported in the literature in individuals affected with NPRL3-related conditions. Advanced modeling of protein sequence and biophysical properties (such as structural, functional, and spatial information, amino acid conservation, physicochemical variation, residue mobility, and thermodynamic stability) performed at Invitae indicates that this missense variant is not expected to disrupt NPRL3 protein function with a negative predictive value of 80%. In summary, the available evidence is currently insufficient to determine the role of this variant in disease. Therefore, it has been classified as a Variant of Uncertain Significance.

NM_001077350.3(NPRL3):c.1360G>A (p.Asp454Asn)

Genes: HBA-LCR (alpha-globin locus control region; plus strand), NPRL3 (NPR3 like, GATOR1 complex subunit; minus strand). Cytogenetic location: 16p13.3.
Variant type: single nucleotide variant.
Coding change: c.1360G>A on transcript NM_001077350.3 (MANE Select); coding-DNA position 1360, G replaced by A.
Protein change: p.Asp454Asn; replaces aspartic acid 454 with asparagine.
Molecular consequence: missense variant.
Genome position (GRCh38, 1-based): chr16:88,882, C>T on the plus strand (G>A on the coding strand, the complement: NPRL3 is on the minus strand). VCF-style: chr16-88882-C-T. GRCh37 (hg19) VCF-style: chr16-138880-C-T.
Other names: c.823G>A, p.Asp275Asn (NM_001039476.3); c.1126G>A, p.Asp376Asn (NM_001243247.2); c.1285G>A, p.Asp429Asn (NM_001243248.2, NM_001243249.2); c.1360G>A (NM_001077350.2); short protein forms D275N, D376N, D454N, D429N.
Identifiers: ClinVar variation 2791290 (VCV002791290.4), dbSNP rs1898628230, ClinGen allele CA394049944.